The following is an entry in ClinVar:

NM_000178.4(GSS):c.400G>A (p.Ala134Thr)

Gene: GSS (glutathione synthetase; minus strand). Cytogenetic location: 20q11.22.
Variant type: single nucleotide variant.
Coding change: c.400G>A on transcript NM_000178.4 (MANE Select); coding-DNA position 400, G replaced by A.
Protein change: p.Ala134Thr; replaces alanine 134 with threonine.
Molecular consequence: missense variant.
Genome position (GRCh38, 1-based): chr20:34,942,579, C>T on the plus strand (G>A on the coding strand, the complement: GSS is on the minus strand). VCF-style: chr20-34942579-C-T. GRCh37 (hg19) VCF-style: chr20-33530382-C-T.
Other names: p.Ala134Thr; c.400G>A, p.Ala134Thr (NM_001322494.1, NM_001322495.1); c.400G>A (NM_000178.2); short protein forms A134T.
Identifiers: ClinVar variation 2153855 (VCV002153855.5), dbSNP rs1303788392, ClinGen allele CA408704514.

ClinVar aggregate classification (germline): Conflicting classifications of pathogenicity. Review status: criteria provided, conflicting classifications (1 of 4 stars). 3 submissions from 3 submitters: Uncertain significance (2); Likely benign (1). Last evaluated 2025-05-20.

Conditions:
Inherited glutathione synthetase deficiency. Identifiers: Orphanet 32, MedGen C5979912, MONDO:0017909.
Inborn genetic diseases. Identifiers: MedGen C0950123, MeSH D030342.

Allele frequency attached by ClinVar (database versions not stated): gnomAD exomes 0.00001; gnomAD 0.00004.
gnomAD v4.1: 18 of 1,613,824 alleles (0.0011%); highest among the groups gnomAD compares: Middle Eastern, 0.016%; no homozygotes.

Submissions (3):

Ambry Genetics
Classification: Likely benign for Inborn genetic diseases. Last evaluated: 2025-05-20. Review status: criteria provided, single submitter. Criteria: Ambry Variant Classification Scheme 2023. Collection method: clinical testing. Allele origin: germline.

Mayo Clinic Laboratories, Mayo Clinic
Classification: Uncertain significance. Last evaluated: 2023-08-04. Review status: criteria provided, single submitter. Criteria: ACMG Guidelines, 2015. Collection method: clinical testing. Allele origin: germline. Observed: 1 variant allele.
Comment: BP4, PM2_moderate

Labcorp Genetics (formerly Invitae), Labcorp
Classification: Uncertain significance for Glutathione synthetase deficiency with 5-oxoprolinuria. Last evaluated: 2022-03-09. Review status: criteria provided, single submitter. Criteria: Invitae Variant Classification Sherloc (09022015). Collection method: clinical testing. Allele origin: germline.
Comment: This sequence change replaces alanine, which is neutral and non-polar, with threonine, which is neutral and polar, at codon 134 of the GSS protein (p.Ala134Thr). This variant is present in population databases (no rsID available, gnomAD 0.009%). This variant has not been reported in the literature in individuals affected with GSS-related conditions. Algorithms developed to predict the effect of missense changes on protein structure and function output the following: SIFT: "Tolerated"; PolyPhen-2: "Benign"; Align-GVGD: "Class C0". The threonine amino acid residue is found in multiple mammalian species, which suggests that this missense change does not adversely affect protein function. In summary, the available evidence is currently insufficient to determine the role of this variant in disease. Therefore, it has been classified as a Variant of Uncertain Significance.